The following is an entry in ClinVar:

ClinVar aggregate classification (germline): Uncertain significance. Review status: criteria provided, multiple submitters, no conflicts (2 of 4 stars). 2 submissions from 2 submitters: Uncertain significance (2). Last evaluated 2025-11-02.

Conditions:
Hereditary cancer-predisposing syndrome. Also called: Tumor predisposition; Hereditary neoplastic syndrome; Neoplastic Syndromes, Hereditary; Hereditary Cancer Syndrome. Identifiers: Orphanet 140162, MedGen C0027672, MeSH D009386, MONDO:0015356.
Tuberous sclerosis 2 (TSC2). Identifiers: Orphanet 805, MedGen C1860707, MONDO:0013199, OMIM 613254.

gnomAD v4.1: 2 of 1,596,052 alleles (0.00013%); highest among the groups gnomAD compares: Non-Finnish European, 0.00017%; no homozygotes.

Submissions (2):

Labcorp Genetics (formerly Invitae), Labcorp
Classification: Uncertain significance for Tuberous sclerosis 2. Last evaluated: 2025-11-02. Review status: criteria provided, single submitter. Criteria: Invitae Variant Classification Sherloc (09022015). Collection method: clinical testing. Allele origin: germline.
Comment: This sequence change replaces valine, which is neutral and non-polar, with leucine, which is neutral and non-polar, at codon 679 of the TSC2 protein (p.Val679Leu). This variant is not present in population databases (gnomAD no frequency). This variant has not been reported in the literature in individuals affected with TSC2-related conditions. ClinVar contains an entry for this variant (Variation ID: 937500). Invitae Evidence Modeling of protein sequence and biophysical properties (such as structural, functional, and spatial information, amino acid conservation, physicochemical variation, residue mobility, and thermodynamic stability) indicates that this missense variant is not expected to disrupt TSC2 protein function with a negative predictive value of 95%. In summary, the available evidence is currently insufficient to determine the role of this variant in disease. Therefore, it has been classified as a Variant of Uncertain Significance.

Ambry Genetics
Classification: Uncertain significance for Hereditary cancer-predisposing syndrome. Last evaluated: 2020-01-07. Review status: criteria provided, single submitter. Criteria: Ambry Variant Classification Scheme 2023. Collection method: clinical testing. Allele origin: germline.
Comment: The p.V679L variant (also known as c.2035G>C), located in coding exon 18 of the TSC2 gene, results from a G to C substitution at nucleotide position 2035. The valine at codon 679 is replaced by leucine, an amino acid with highly similar properties. This amino acid position is not well conserved in available vertebrate species. In addition, the in silico prediction for this alteration is inconclusive. Since supporting evidence is limited at this time, the clinical significance of this alteration remains unclear.

NM_000548.5(TSC2):c.2035G>C (p.Val679Leu)

Gene: TSC2 (TSC complex subunit 2; plus strand). Cytogenetic location: 16p13.3.
Variant type: single nucleotide variant.
Coding change: c.2035G>C on transcript NM_000548.5 (MANE Select); coding-DNA position 2035, G replaced by C.
Protein change: p.Val679Leu; replaces valine 679 with leucine.
Molecular consequence: missense variant.
Genome position (GRCh38, 1-based): chr16:2,071,872, G>C. VCF-style: chr16-2071872-G-C. GRCh37 (hg19) VCF-style: chr16-2121873-G-C.
Other names: c.2035G>C, p.Val679Leu (NM_001077183.3, NM_001114382.3, NM_001363528.2 and 3 more transcripts); c.1924G>C, p.Val642Leu (NM_001318827.2); c.1888G>C, p.Val630Leu (NM_001318829.2); c.1435G>C, p.Val479Leu (NM_001318831.2); c.2068G>C, p.Val690Leu (NM_001318832.2); short protein forms V479L, V630L, V690L, V642L, V679L.
Identifiers: ClinVar variation 937500 (VCV000937500.12), dbSNP rs746315218, ClinGen allele CA394274552.
Genomic context (GRCh38, chr16:2,071,872, plus strand): 5'-ACCAGCGGCCCCCTTTCTCCTCCCACAGGGCCTCCTGGCCCGGCGCCTGCAGGCCCCGCC[G>C]TGCGGCTGGGGTCCGTGCCCTACTCCCTGCTCTTCCGCGTCCTGCTGCAGTGCTTGAAGC-3'
Protein context (NP_000539.2, residues 669-689): PPGPAPAGPA[Val679Leu]RLGSVPYSLL